The following is an entry in ClinVar:

ClinVar aggregate classification (germline): Uncertain significance. Review status: criteria provided, multiple submitters, no conflicts (2 of 4 stars). 3 submissions from 3 submitters: Uncertain significance (2). 1 of the submissions does not count toward it. Last evaluated 2025-12-22.

Conditions:
Inborn genetic diseases. Identifiers: MedGen C0950123, MeSH D030342.

Allele frequency attached by ClinVar (database versions not stated): gnomAD 0.00001; gnomAD exomes 0.00001 and 0.00002; TOPMed 0.00001; ExAC 0.00002.
gnomAD v4.1: 16 of 1,614,086 alleles (0.00099%); highest among the groups gnomAD compares: Admixed American, 0.0017%; no homozygotes.

Submissions (3):

Labcorp Genetics (formerly Invitae), Labcorp
Classification: Uncertain significance. Last evaluated: 2025-12-22. Review status: criteria provided, single submitter. Criteria: Invitae Variant Classification Sherloc (09022015). Collection method: clinical testing. Allele origin: germline.
Comment: This sequence change replaces leucine, which is neutral and non-polar, with phenylalanine, which is neutral and non-polar, at codon 894 of the REST protein (p.Leu894Phe). This variant is present in population databases (rs748529871, gnomAD 0.004%). This variant has not been reported in the literature in individuals affected with REST-related conditions. ClinVar contains an entry for this variant (Variation ID: 965390). An algorithm developed to predict the effect of missense changes on protein structure and function outputs the following: PolyPhen-2: "Benign". The phenylalanine amino acid residue is found in multiple mammalian species, which suggests that this missense change does not adversely affect protein function. In summary, the available evidence is currently insufficient to determine the role of this variant in disease. Therefore, it has been classified as a Variant of Uncertain Significance.

Ambry Genetics
Classification: Uncertain significance for Inborn genetic diseases. Last evaluated: 2022-11-08. Review status: criteria provided, single submitter. Criteria: Ambry Variant Classification Scheme 2023. Collection method: clinical testing. Allele origin: germline.

Department of Pathology and Laboratory Medicine, Sinai Health System
Classification: Uncertain significance. Review status: no assertion criteria provided. Collection method: clinical testing. Allele origin: unknown. Affected: yes. Study: The Canadian Open Genetics Repository (COGR). Not counted in ClinVar's aggregate classification.
Comment: The REST p.Leu894Phe variant was not identified in the literature nor was it identified in ClinVar, Cosmic or LOVD 3.0. The variant was identified in dbSNP (ID: rs748529871) with unknown clinical significance. The variant was identified in control databases in 4 of 250886 chromosomes at a frequency of 0.000016 (Genome Aggregation Database Feb 27, 2017). The variant was observed in the following population: European (non-Finnish) in 4 of 113300 chromosomes (freq: 0.000035); it was not observed in the African, Latino, Ashkenazi Jewish, East Asian, European (Finnish), Other or South Asian populations. The variant occurs outside of the splicing consensus sequence and 3 of 4 in silico or computational prediction software programs (SpliceSiteFinder, MaxEntScan, GeneSplicer) do not predict a change in splicing. The p.Leu894 residue is conserved in mammals and computational analyses (PolyPhen-2, SIFT, AlignGVGD, BLOSUM, MutationTaster) provide inconsistent predictions regarding the impact to the protein; this information is not very predictive of pathogenicity. In summary, based on the above information the clinical significance of this variant cannot be determined with certainty at this time. This variant is classified as a variant of uncertain significance.

NM_005612.5(REST):c.2680C>T (p.Leu894Phe)

Gene: REST (RE1 silencing transcription factor; plus strand). Cytogenetic location: 4q12.
Variant type: single nucleotide variant.
Coding change: c.2680C>T on transcript NM_005612.5 (MANE Select); coding-DNA position 2680, C replaced by T.
Protein change: p.Leu894Phe; replaces leucine 894 with phenylalanine.
Molecular consequence: missense variant.
Genome position (GRCh38, 1-based): chr4:56,931,538, C>T. VCF-style: chr4-56931538-C-T. GRCh37 (hg19) VCF-style: chr4-57797704-C-T.
Other names: c.2680C>T, p.Leu894Phe (NM_001193508.2, NM_001363453.3); short protein forms L894F.
Identifiers: ClinVar variation 965390 (VCV000965390.9), dbSNP rs748529871, ClinGen allele CA2932533.